The following is an entry in ClinVar:

NM_003896.4(ST3GAL5):c.839dup (p.Glu281fs)

Gene: ST3GAL5 (ST3 beta-galactoside alpha-2,3-sialyltransferase 5; minus strand). Cytogenetic location: 2p11.2.
Variant type: Duplication.
Coding change: c.839dup on transcript NM_003896.4 (MANE Select); coding-DNA position 839, one base duplicated (A; older notation c.839dupA).
Protein change: p.Glu281fs; shifts the reading frame from glutamic acid 281.
Molecular consequence: frameshift variant.
Genome position (GRCh38, 1-based): chr2:85,846,387, T duplicated on the plus strand (A on the coding strand, the reverse complement: ST3GAL5 is on the minus strand); the first of 6 consecutive T bases (chr2:85,846,387-85,846,392); duplicating any one gives the same sequence. VCF-style (leftmost placement, unchanged base first): chr2-85846386-C-CT. GRCh37 (hg19) VCF-style: chr2-86073509-C-CT.
Other names: c.770dup, p.Glu258fs (NM_001042437.2); c.455dup, p.Glu153fs (NM_001354223.2, NM_001354224.2, NM_001354226.2 and 3 more transcripts); c.755dup, p.Glu253fs (NM_001354227.2, NM_001354229.2, NM_001354238.1); c.116dup, p.Glu40fs (NM_001354247.1); c.839dup, p.Glu281fs (NM_001363847.1); short protein forms E258fs, E153fs, E253fs, E281fs, E40fs.
Identifiers: ClinVar variation 3586943 (VCV003586943.6).
Genomic context (GRCh38, chr2:85,846,386, plus strand): 5'-GACTCCTTCACTTTTTACTAAGGCAGATTTAATAGAAGTATTAGTGCTTACCAGGGTTTC[C>CT]TTTTTTACCATTGCTTGAAGCCAGTTGAAATCAACACTCTTAAATAAAACAGCAACAAAT-3'

ClinVar aggregate classification (germline): Conflicting classifications of pathogenicity. Review status: criteria provided, conflicting classifications (1 of 4 stars). 4 submissions from 4 submitters: Pathogenic (1); Likely pathogenic (2); Uncertain significance (1). Last evaluated 2026-08-06.

Conditions:
GM3 synthase deficiency (SPDRS). Also called: AMISH INFANTILE EPILEPSY SYNDROME; SALT AND PEPPER DEVELOPMENTAL REGRESSION SYNDROME; SALT AND PEPPER MENTAL RETARDATION SYNDROME. Identifiers: Orphanet 171714, Orphanet 370933, MedGen C1836824, MONDO:0018274, OMIM 609056.

Submissions (4):

OLLIN Analises Genomicas, OLLIN
Classification: Likely pathogenic for GM3 synthase deficiency. Last evaluated: 2026-08-06. Review status: criteria provided, single submitter. Criteria: ACMG Guidelines 2015 PMID 25741868. Collection method: clinical testing. Allele origin: germline. Inheritance: Autosomal recessive inheritance.
Comment: This frameshift variant, located in exon 5 (of 7), has been reported in ClinVar (accession VCV003586943.4) and in gnomAD with an allele frequency of 0.00012%. However, to our knowledge, it has not been reported in the scientific literature. This variant causes a frameshift and introduces a premature stop codon, which is predicted to result in either a truncated protein or degradation of the mRNA via nonsense-mediated decay (NMD). According to the currently available evidence, this variant has been classified as likely pathogenic (PVS1, PM2_P).

Dasa
Classification: Uncertain significance. Last evaluated: 2025-02-16. Review status: criteria provided, single submitter. Criteria: DASA Assertion Criteria. Collection method: clinical testing. Allele origin: germline.
Comment: NM_003896.4(ST3GAL5):c.839dup (p.Glu281Glyfs*40) is a frameshift variant in ST3GAL5 predicted to alter the reading frame and introduce a premature termination codon and is predicted to result in an absent or altered protein product. This variant is rare in population databases. The currently available literature and clinical evidence are not sufficient to establish a definitive association between this variant and the reported condition. Therefore, this variant is classified as a variant of uncertain significance.

Fulgent Genetics
Classification: Likely pathogenic for GM3 synthase deficiency. Last evaluated: 2024-05-18. Review status: criteria provided, single submitter. Criteria: ACMG Guidelines, 2015. Collection method: clinical testing. Allele origin: germline.

Labcorp Genetics (formerly Invitae), Labcorp
Classification: Pathogenic for GM3 synthase deficiency. Last evaluated: 2024-03-20. Review status: criteria provided, single submitter. Criteria: Invitae Variant Classification Sherloc (09022015). Collection method: clinical testing. Allele origin: germline.
Comment: This sequence change creates a premature translational stop signal (p.Glu281Glyfs*40) in the ST3GAL5 gene. It is expected to result in an absent or disrupted protein product. Loss-of-function variants in ST3GAL5 are known to be pathogenic (PMID: 15502825, 22990144, 27232954). This variant is not present in population databases (gnomAD no frequency). This variant has not been reported in the literature in individuals affected with ST3GAL5-related conditions. For these reasons, this variant has been classified as Pathogenic.

Literature cited by the submitters: PubMed 15502825 (cited by Labcorp Genetics (formerly Invitae), Labcorp); PubMed 22990144 (cited by Labcorp Genetics (formerly Invitae), Labcorp); PubMed 27232954 (cited by Labcorp Genetics (formerly Invitae), Labcorp).